The following is an entry in ClinVar:

ClinVar aggregate classification (germline): Uncertain significance (1 of 4 stars; one submission).

Allele frequency attached by ClinVar (database versions not stated): gnomAD exomes below 0.00001.
gnomAD v4.1: 1 of 1,596,690 alleles (0.000063%); highest among the groups gnomAD compares: East Asian, 0.0022%; no homozygotes.

Submission:

Labcorp Genetics (formerly Invitae), Labcorp
Classification: Uncertain significance. Last evaluated: 2022-08-09. Review status: criteria provided, single submitter. Criteria: Invitae Variant Classification Sherloc (09022015). Collection method: clinical testing. Allele origin: germline.
Comment: Algorithms developed to predict the effect of missense changes on protein structure and function output the following: SIFT: "Deleterious"; PolyPhen-2: "Benign"; Align-GVGD: "Class C0". The isoleucine amino acid residue is found in multiple mammalian species, which suggests that this missense change does not adversely affect protein function. In summary, the available evidence is currently insufficient to determine the role of this variant in disease. Therefore, it has been classified as a Variant of Uncertain Significance. This sequence change replaces threonine, which is neutral and polar, with isoleucine, which is neutral and non-polar, at codon 108 of the CD2AP protein (p.Thr108Ile). This variant is not present in population databases (gnomAD no frequency). This missense change has been observed in individual(s) with focal segmental glomerulosclerosis (Invitae). ClinVar contains an entry for this variant (Variation ID: 1034971).

NM_012120.3(CD2AP):c.323C>T (p.Thr108Ile)

Gene: CD2AP (CD2 associated protein; plus strand). Cytogenetic location: 6p12.3.
Variant type: single nucleotide variant.
Coding change: c.323C>T on transcript NM_012120.3 (MANE Select); coding-DNA position 323, C replaced by T.
Protein change: p.Thr108Ile; replaces threonine 108 with isoleucine.
Molecular consequence: missense variant.
Genome position (GRCh38, 1-based): chr6:47,544,609, C>T. VCF-style: chr6-47544609-C-T. GRCh37 (hg19) VCF-style: chr6-47512345-C-T.
Other names: short protein forms T108I.
Identifiers: ClinVar variation 1034971 (VCV001034971.8), dbSNP rs1767317688, ClinGen allele CA363939087.